The following is an entry in ClinVar:

ClinVar aggregate classification (germline): Uncertain significance. Review status: criteria provided, single submitter (1 of 4 stars). 2 submissions from 2 submitters: Uncertain significance (1). 1 of the submissions does not count toward it. Last evaluated 2022-03-31.

Conditions:
Insulin-dependent diabetes mellitus secretory diarrhea syndrome (IPEX). Also called: IPEX and IPEX-Like; Immunodeficiency, Polyendocrinopathy, and Enteropathy X-Linked Syndrome; X-Linked Syndrome of Polyendocrinopathy, Immune Dysfunction, and Diarrhea; DIABETES MELLITUS, CONGENITAL INSULIN-DEPENDENT, WITH FATAL SECRETORY DIARRHEA; DIARRHEA, POLYENDOCRINOPATHY, FATAL INFECTION SYNDROME, X-LINKED; ENTEROPATHY, AUTOIMMUNE, WITH HEMOLYTIC ANEMIA AND POLYENDOCRINOPATHY. Identifiers: Orphanet 37042, MedGen C0342288, MONDO:0010580, OMIM 304790. Disease mechanism: loss of function.

Allele frequency attached by ClinVar (database versions not stated): gnomAD exomes below 0.00001.
gnomAD v4.1: 2 of 1,211,275 alleles (0.00017%); highest among the groups gnomAD compares: Non-Finnish European, 0.00022%; no homozygotes.

Submissions (2):

Victorian Clinical Genetics Services, Murdoch Childrens Research Institute
Classification: Uncertain significance for Insulin-dependent diabetes mellitus secretory diarrhea syndrome. Last evaluated: 2022-03-31. Review status: criteria provided, single submitter. Criteria: ACMG Guidelines, 2015. Collection method: clinical testing. Allele origin: germline. Inheritance: X-linked recessive inheritance.
Comment: Based on the classification scheme VCGS_Germline_v1.3.4, this variant is classified as VUS-3A. The following criteria are met: 0102 - Loss of function is a known mechanism of disease in this gene and is associated with immunodysregulation, polyendocrinopathy, and enteropathy (MIM#304790) . (I) 0109 - This gene is associated with X-linked recessive disease. (I) 0212 - Non-canonical splice site variant without proven consequence on splicing (no functional evidence available). (SP) 0251 - This variant is heterozygous. (I) 0301 - Variant is absent from gnomAD (both v2 and v3). (SP) 0506 - Abnormal splicing is not predicted by in silico tools and nucleotide is moderately conserved. (I) 0802 - This variant has limited previous evidence of pathogenicity in unrelated individuals. This variant has been reported in one individual with neonatal immune dysregulation, polyendocrinopathy, enteropathy syndrome (PMID: 18951619, 24250806). (SP) 0905 - No published segregation evidence has been identified for this variant. (I) 1007 - No published functional evidence has been identified for this variant. (I) 0705 - No comparable non-canonical splice site variants have previous evidence for pathogenicity. (I) Legend: (SP) - Supporting pathogenic, (I) - Information, (SB) - Supporting benign

OMIM
Classification: Pathogenic for IMMUNODYSREGULATION, POLYENDOCRINOPATHY, AND ENTEROPATHY, X-LINKED. Last evaluated: 2000-12-01. Review status: no assertion criteria provided. Collection method: literature only. Allele origin: germline. Not counted in ClinVar's aggregate classification.

Literature cited by the submitters: PubMed 18951619 (cited by Victorian Clinical Genetics Services, Murdoch Childrens Research Institute); PubMed 24250806 (cited by Victorian Clinical Genetics Services, Murdoch Childrens Research Institute); PubMed 11120765 (cited by OMIM).

NM_014009.4(FOXP3):c.967+4A>G

Gene: FOXP3 (forkhead box P3; minus strand). Cytogenetic location: Xp11.23.
Variant type: single nucleotide variant.
Coding change: c.967+4A>G on transcript NM_014009.4 (MANE Select); 4 bases into the intron after coding-DNA position 967, A replaced by G.
Molecular consequence: intron variant.
Genome position (GRCh38, 1-based): chrX:49,253,913, T>C on the plus strand (A>G on the coding strand, the complement: FOXP3 is on the minus strand). VCF-style: chrX-49253913-T-C. GRCh37 (hg19) VCF-style: chrX-49110374-T-C.
Other names: IVS9DS, A-G, +4; c.862+4A>G (NM_001114377.2).
Identifiers: ClinVar variation 11412 (VCV000011412.2), dbSNP rs1426535368, ClinGen allele CA913184937.